The following is an entry in ClinVar:

NM_004260.4(RECQL4):c.1037C>G (p.Ala346Gly)

Gene: RECQL4 (RecQ like helicase 4; minus strand). Cytogenetic location: 8q24.3.
Variant type: single nucleotide variant.
Coding change: c.1037C>G on transcript NM_004260.4 (MANE Select); coding-DNA position 1037, C replaced by G.
Protein change: p.Ala346Gly; replaces alanine 346 with glycine.
Molecular consequence: missense variant.
Genome position (GRCh38, 1-based): chr8:144,516,082, G>C on the plus strand (C>G on the coding strand, the complement: RECQL4 is on the minus strand). VCF-style: chr8-144516082-G-C. GRCh37 (hg19) VCF-style: chr8-145741466-G-C.
Other names: short protein forms A346G.
Identifiers: ClinVar variation 938929 (VCV000938929.5), dbSNP rs746740293, ClinGen allele CA187688445.

ClinVar aggregate classification (germline): Uncertain significance (1 of 4 stars; one submission).

Conditions:
Baller-Gerold syndrome (BGS). Also called: CRANIOSYNOSTOSIS WITH RADIAL DEFECTS. Identifiers: Orphanet 1225, MedGen C0265308, MONDO:0009039, OMIM 218600.

Allele frequency attached by ClinVar (database versions not stated): TOPMed below 0.00001.

Submission:

Labcorp Genetics (formerly Invitae), Labcorp
Classification: Uncertain significance for Baller-Gerold syndrome. Last evaluated: 2021-08-03. Review status: criteria provided, single submitter. Criteria: Invitae Variant Classification Sherloc (09022015). Collection method: clinical testing. Allele origin: germline.
Comment: In summary, the available evidence is currently insufficient to determine the role of this variant in disease. Therefore, it has been classified as a Variant of Uncertain Significance. Algorithms developed to predict the effect of missense changes on protein structure and function are either unavailable or do not agree on the potential impact of this missense change (SIFT: "Tolerated"; PolyPhen-2: "Not Available"; Align-GVGD: "Class C0"). This variant has not been reported in the literature in individuals with RECQL4-related conditions. This variant is not present in population databases (ExAC no frequency). This sequence change replaces alanine with glycine at codon 346 of the RECQL4 protein (p.Ala346Gly). The alanine residue is highly conserved and there is a small physicochemical difference between alanine and glycine.